The following is an entry in ClinVar:

NM_014989.7(RIMS1):c.3355T>C (p.Cys1119Arg)

Gene: RIMS1 (regulating synaptic membrane exocytosis 1; plus strand). Cytogenetic location: 6q13.
Variant type: single nucleotide variant.
Coding change: c.3355T>C on transcript NM_014989.7 (MANE Select); coding-DNA position 3355, T replaced by C.
Protein change: p.Cys1119Arg; replaces cysteine 1119 with arginine.
Molecular consequence: missense variant. On other transcripts: intron variant (17).
Genome position (GRCh38, 1-based): chr6:72,266,006, T>C. VCF-style: chr6-72266006-T-C. GRCh37 (hg19) VCF-style: chr6-72975709-T-C.
Other names: c.1516T>C, p.Cys506Arg (NM_001350462.2, NM_001350424.2, NM_001350428.2 and 1 more transcripts); c.1339T>C, p.Cys447Arg (NM_001350463.2, NM_001350461.2); c.1342T>C, p.Cys448Arg (NM_001350464.2, NM_001350465.2, NM_001350466.2 and 2 more transcripts); c.1618T>C, p.Cys540Arg (NM_001350470.2); c.1537T>C, p.Cys513Arg (NM_001350472.2); c.1540T>C, p.Cys514Arg (NM_001350473.2, NM_001168410.2); c.1538+5239T>C (NM_001350431.2); c.1475+6895T>C (NM_001350460.2, NM_001350426.2, NM_001350429.2 and 1 more transcripts); and 14 more; short protein forms C448R, C505R, C507R, C513R, C529R, C555R, C1119R, C506R.
Identifiers: ClinVar variation 3677696 (VCV003677696.2).
Genomic context (GRCh38, chr6:72,266,006, plus strand): 5'-TGCACTGGCACTAGTGAACTGCAGCCCTTTCTTGACAGGGCTAGGAGTGCTAGTACCAAC[T>C]GCTTGAGACCAGATACTAGTTTGCATTCACCAGAACGAGAAAGGTATAAAATAAAGACTT-3'
Protein context (NP_055804.2, residues 1109-1129): LDRARSASTN[Cys1119Arg]LRPDTSLHSP

ClinVar aggregate classification (germline): Uncertain significance (1 of 4 stars; one submission).

gnomAD v4.1: 34 of 1,585,418 alleles (0.0021%); highest among the groups gnomAD compares: Non-Finnish European, 0.0028%; no homozygotes.

Submission:

Labcorp Genetics (formerly Invitae), Labcorp
Classification: Uncertain significance. Last evaluated: 2024-02-23. Review status: criteria provided, single submitter. Criteria: Invitae Variant Classification Sherloc (09022015). Collection method: clinical testing. Allele origin: germline.
Comment: This sequence change replaces cysteine, which is neutral and slightly polar, with arginine, which is basic and polar, at codon 1119 of the RIMS1 protein (p.Cys1119Arg). This variant is not present in population databases (gnomAD no frequency). This variant has not been reported in the literature in individuals affected with RIMS1-related conditions. An algorithm developed to predict the effect of missense changes on protein structure and function (PolyPhen-2) suggests that this variant is likely to be disruptive. In summary, the available evidence is currently insufficient to determine the role of this variant in disease. Therefore, it has been classified as a Variant of Uncertain Significance.